The following is an entry in ClinVar:

NM_032043.3(BRIP1):c.1879C>T (p.Leu627Phe)

Gene: BRIP1 (BRCA1 interacting DNA helicase 1; minus strand). Cytogenetic location: 17q23.2.
Variant type: single nucleotide variant.
Coding change: c.1879C>T on transcript NM_032043.3 (MANE Select); coding-DNA position 1879, C replaced by T.
Protein change: p.Leu627Phe; replaces leucine 627 with phenylalanine.
Molecular consequence: missense variant.
Genome position (GRCh38, 1-based): chr17:61,780,317, G>A on the plus strand (C>T on the coding strand, the complement: BRIP1 is on the minus strand). VCF-style: chr17-61780317-G-A. GRCh37 (hg19) VCF-style: chr17-59857678-G-A.
Other names: short protein forms L627F.
Identifiers: ClinVar variation 921620 (VCV000921620.8), dbSNP rs2077595930, ClinGen allele CA400480040.

ClinVar aggregate classification (germline): Uncertain significance. Review status: criteria provided, multiple submitters, no conflicts (2 of 4 stars). 3 submissions from 3 submitters: Uncertain significance (3). Last evaluated 2026-07-07.

Conditions:
Familial cancer of breast. Also called: Hereditary breast cancer; BREAST CANCER, FAMILIAL; hereditary breast carcinoma. Identifiers: Orphanet 227535, MedGen C0346153, MONDO:0016419, OMIM 114480. Disease mechanism: loss of function.
Fanconi anemia complementation group J. Also called: BRIP1-Related Fanconi Anemia. Identifiers: Orphanet 84, MedGen C1836860, MONDO:0012187, OMIM 609054.
Hereditary cancer-predisposing syndrome. Also called: Neoplastic Syndromes, Hereditary; Hereditary Cancer Syndrome; Tumor predisposition; Hereditary neoplastic syndrome. Identifiers: Orphanet 140162, MedGen C0027672, MeSH D009386, MONDO:0015356.

Submissions (3):

Ambry Genetics
Classification: Uncertain significance for Hereditary cancer-predisposing syndrome. Last evaluated: 2026-07-07. Review status: criteria provided, single submitter. Criteria: Ambry Variant Classification Scheme 2023. Collection method: clinical testing. Allele origin: germline.
Comment: The p.L627F variant (also known as c.1879C>T), located in coding exon 12 of the BRIP1 gene, results from a C to T substitution at nucleotide position 1879. The leucine at codon 627 is replaced by phenylalanine, an amino acid with highly similar properties. This amino acid position is conserved. In addition, this alteration is predicted to be deleterious by in silico analysis. Based on the available evidence, the clinical significance of this variant remains unclear.

Color Diagnostics, LLC DBA Color Health
Classification: Uncertain significance for Hereditary cancer-predisposing syndrome. Last evaluated: 2023-12-04. Review status: criteria provided, single submitter. Criteria: ACMG Guidelines, 2015. Collection method: clinical testing. Allele origin: germline.
Comment: This missense variant replaces leucine with phenylalanine at codon 627 of the BRIP1 protein. Computational prediction is inconclusive regarding the impact of this variant on protein structure and function (internally defined REVEL score threshold 0.5 < inconclusive < 0.7, PMID: 27666373). To our knowledge, functional studies have not been reported for this variant. This variant has not been reported in individuals affected with BRIP1-related disorders in the literature. This variant has not been identified in the general population by the Genome Aggregation Database (gnomAD). The available evidence is insufficient to determine the role of this variant in disease conclusively. Therefore, this variant is classified as a Variant of Uncertain Significance.

Labcorp Genetics (formerly Invitae), Labcorp
Classification: Uncertain significance for Familial cancer of breast; Fanconi anemia complementation group J. Last evaluated: 2023-06-19. Review status: criteria provided, single submitter. Criteria: Invitae Variant Classification Sherloc (09022015). Collection method: clinical testing. Allele origin: germline.
Comment: In summary, the available evidence is currently insufficient to determine the role of this variant in disease. Therefore, it has been classified as a Variant of Uncertain Significance. Advanced modeling of protein sequence and biophysical properties (such as structural, functional, and spatial information, amino acid conservation, physicochemical variation, residue mobility, and thermodynamic stability) performed at Invitae indicates that this missense variant is expected to disrupt BRIP1 protein function. ClinVar contains an entry for this variant (Variation ID: 921620). This variant has not been reported in the literature in individuals affected with BRIP1-related conditions. This variant is not present in population databases (gnomAD no frequency). This sequence change replaces leucine, which is neutral and non-polar, with phenylalanine, which is neutral and non-polar, at codon 627 of the BRIP1 protein (p.Leu627Phe).